The following is an entry in ClinVar:

NM_001036.6(RYR3):c.13127G>C (p.Arg4376Pro)

Gene: RYR3 (ryanodine receptor 3; plus strand). Cytogenetic location: 15q14.
Variant type: single nucleotide variant.
Coding change: c.13127G>C on transcript NM_001036.6 (MANE Select); coding-DNA position 13127, G replaced by C.
Protein change: p.Arg4376Pro; replaces arginine 4376 with proline.
Molecular consequence: missense variant.
Genome position (GRCh38, 1-based): chr15:33,841,953, G>C. VCF-style: chr15-33841953-G-C. GRCh37 (hg19) VCF-style: chr15-34134154-G-C.
Other names: c.13112G>C, p.Arg4371Pro (NM_001243996.4); short protein forms R4371P, R4376P.
Identifiers: ClinVar variation 967725 (VCV000967725.6), dbSNP rs201791791, ClinGen allele CA7461558.

ClinVar aggregate classification (germline): Uncertain significance (1 of 4 stars; one submission).

Conditions:
Epileptic encephalopathy. Identifiers: MedGen C0543888, HP:0200134.

Allele frequency attached by ClinVar (database versions not stated): TOPMed 0.00002.
gnomAD v4.1: 26 of 1,601,672 alleles (0.0016%); highest among the groups gnomAD compares: Admixed American, 0.031%; no homozygotes.

Submission:

Labcorp Genetics (formerly Invitae), Labcorp
Classification: Uncertain significance for Epileptic encephalopathy. Last evaluated: 2021-08-30. Review status: criteria provided, single submitter. Criteria: Invitae Variant Classification Sherloc (09022015). Collection method: clinical testing. Allele origin: germline.
Comment: This sequence change replaces arginine with proline at codon 4376 of the RYR3 protein (p.Arg4376Pro). The arginine residue is moderately conserved and there is a moderate physicochemical difference between arginine and proline. This variant is present in population databases (rs201791791, ExAC 0.03%). This variant has not been reported in the literature in individuals affected with RYR3-related conditions. Algorithms developed to predict the effect of missense changes on protein structure and function are either unavailable or do not agree on the potential impact of this missense change (SIFT: "Deleterious"; PolyPhen-2: "Possibly Damaging"; Align-GVGD: "Class C0"). In summary, the available evidence is currently insufficient to determine the role of this variant in disease. Therefore, it has been classified as a Variant of Uncertain Significance.